The following is an entry in ClinVar:

ClinVar aggregate classification (germline): Uncertain significance (1 of 4 stars; one submission).

Submission:

Center for Genomic Medicine, Rigshospitalet, Copenhagen University Hospital
Classification: Uncertain significance. Last evaluated: 2025-12-29. Review status: criteria provided, single submitter. Criteria: ACMG Guidelines, 2015. Collection method: clinical testing. Allele origin: germline.
Comment: Classification criteria: PM2, PP3

NM_002609.4(PDGFRB):c.2810T>C (p.Met937Thr)

Gene: PDGFRB (platelet derived growth factor receptor beta; minus strand). Cytogenetic location: 5q32.
Variant type: single nucleotide variant.
Coding change: c.2810T>C on transcript NM_002609.4 (MANE Select); coding-DNA position 2810, T replaced by C.
Protein change: p.Met937Thr; replaces methionine 937 with threonine.
Molecular consequence: missense variant.
Genome position (GRCh38, 1-based): chr5:150,118,841, A>G on the plus strand (T>C on the coding strand, the complement: PDGFRB is on the minus strand). VCF-style: chr5-150118841-A-G. GRCh37 (hg19) VCF-style: chr5-149498404-A-G.
Other names: c.2618T>C, p.Met873Thr (NM_001355016.2); c.2327T>C, p.Met776Thr (NM_001355017.2); short protein forms M776T, M873T, M937T.
Identifiers: ClinVar variation 4539484 (VCV004539484.1).